The following is an entry in ClinVar:

NM_173495.3(PTCHD1):c.2314T>A (p.Leu772Ile)

Gene: PTCHD1 (patched domain containing 1; plus strand). Cytogenetic location: Xp22.11.
Variant type: single nucleotide variant.
Coding change: c.2314T>A on transcript NM_173495.3 (MANE Select); coding-DNA position 2314, T replaced by A.
Protein change: p.Leu772Ile; replaces leucine 772 with isoleucine.
Molecular consequence: missense variant.
Genome position (GRCh38, 1-based): chrX:23,393,832, T>A. VCF-style: chrX-23393832-T-A. GRCh37 (hg19) VCF-style: chrX-23411949-T-A.
Other names: short protein forms L772I.
Identifiers: ClinVar variation 4690010 (VCV004690010.1).

ClinVar aggregate classification (germline): Uncertain significance (1 of 4 stars; one submission).

Submission:

GeneDx
Classification: Uncertain significance. Last evaluated: 2025-07-27. Review status: criteria provided, single submitter. Criteria: GeneDx Variant Classification Process June 2021. Collection method: clinical testing. Allele origin: germline. Affected: yes.
Comment: Not observed at significant frequency in large population cohorts (gnomAD); In silico analysis suggests that this missense variant does not alter protein structure/function; Has not been previously published as pathogenic or benign to our knowledge